The following is an entry in ClinVar:

ClinVar aggregate classification (germline): Uncertain significance. Review status: criteria provided, multiple submitters, no conflicts (2 of 4 stars). 2 submissions from 2 submitters: Uncertain significance (2). Last evaluated 2024-10-01.

Conditions:
Maple syrup urine disease, mild variant (MSUDMV). Identifiers: Orphanet 511, MedGen C3554575, MONDO:0014057, OMIM 615135.

Allele frequency attached by ClinVar (database versions not stated): gnomAD 0.00012; gnomAD exomes 0.00014 and 0.00022; TOPMed 0.00016; ExAC 0.00017; 1000 Genomes Project 0.00020; 1000 Genomes Project 30x 0.00031; ESP Exome Variant Server 0.00038.
gnomAD v4.1: 335 of 1,614,070 alleles (0.021%); highest among the groups gnomAD compares: Non-Finnish European, 0.028%; no homozygotes.

Submissions (2):

Ambry Genetics
Classification: Uncertain significance. Last evaluated: 2024-10-01. Review status: criteria provided, single submitter. Criteria: Ambry Variant Classification Scheme 2023. Collection method: clinical testing. Allele origin: germline.

Labcorp Genetics (formerly Invitae), Labcorp
Classification: Uncertain significance for Maple syrup urine disease, mild variant. Last evaluated: 2022-08-15. Review status: criteria provided, single submitter. Criteria: Invitae Variant Classification Sherloc (09022015). Collection method: clinical testing. Allele origin: germline.
Comment: This variant has not been reported in the literature in individuals affected with PPM1K-related conditions. This variant is present in population databases (rs146226844, gnomAD 0.03%). This sequence change replaces isoleucine, which is neutral and non-polar, with valine, which is neutral and non-polar, at codon 224 of the PPM1K protein (p.Ile224Val). ClinVar contains an entry for this variant (Variation ID: 1498675). In summary, the available evidence is currently insufficient to determine the role of this variant in disease. Therefore, it has been classified as a Variant of Uncertain Significance. Algorithms developed to predict the effect of missense changes on protein structure and function (SIFT, PolyPhen-2, Align-GVGD) all suggest that this variant is likely to be tolerated.

NM_152542.5(PPM1K):c.670A>G (p.Ile224Val)

Gene: PPM1K (protein phosphatase, Mg2+/Mn2+ dependent 1K; minus strand). Cytogenetic location: 4q22.1.
Variant type: single nucleotide variant.
Coding change: c.670A>G on transcript NM_152542.5 (MANE Select); coding-DNA position 670, A replaced by G.
Protein change: p.Ile224Val; replaces isoleucine 224 with valine.
Molecular consequence: missense variant.
Genome position (GRCh38, 1-based): chr4:88,268,778, T>C on the plus strand (A>G on the coding strand, the complement: PPM1K is on the minus strand). VCF-style: chr4-88268778-T-C. GRCh37 (hg19) VCF-style: chr4-89189930-T-C.
Other names: c.670A>G (NM_152542.3); short protein forms I224V.
Identifiers: ClinVar variation 1498675 (VCV001498675.5), dbSNP rs146226844, ClinGen allele CA3005196.